The following is an entry in ClinVar:

NM_004415.4(DSP):c.8519G>A (p.Gly2840Glu)

Gene: DSP (desmoplakin; plus strand). Cytogenetic location: 6p24.3.
Variant type: single nucleotide variant.
Coding change: c.8519G>A on transcript NM_004415.4 (MANE Select); coding-DNA position 8519, G replaced by A.
Protein change: p.Gly2840Glu; replaces glycine 2840 with glutamic acid.
Molecular consequence: missense variant.
Genome position (GRCh38, 1-based): chr6:7,585,781, G>A. VCF-style: chr6-7585781-G-A. GRCh37 (hg19) VCF-style: chr6-7586014-G-A.
Other names: c.6722G>A, p.Gly2241Glu (NM_001008844.3); c.7190G>A, p.Gly2397Glu (NM_001319034.2); short protein forms G2241E, G2840E, G2397E.
Identifiers: ClinVar variation 919559 (VCV000919559.4), dbSNP rs1312581264, ClinGen allele CA362695299.

ClinVar aggregate classification (germline): Uncertain significance (1 of 4 stars; one submission).

Conditions:
Cardiomyopathy (CMYO). Also called: Cardiomyopathies. Identifiers: Orphanet 167848, MedGen C0878544, MONDO:0004994, HP:0001638. Inheritance: Various modes of inheritance.

Submission:

Color Diagnostics, LLC DBA Color Health
Classification: Uncertain significance for Cardiomyopathy. Last evaluated: 2024-03-06. Review status: criteria provided, single submitter. Criteria: ACMG Guidelines, 2015. Collection method: clinical testing. Allele origin: germline.
Comment: This missense variant replaces glycine with glutamic acid at codon 2840 of the DSP protein. Computational prediction suggests that this variant may not impact protein structure and function (internally defined REVEL score threshold <= 0.5, PMID: 27666373). Splice site prediction tools suggest that this variant may not impact RNA splicing. To our knowledge, functional studies have not been performed for this variant. This variant has not been reported in individuals affected with cardiovascular disorders in the literature. This variant has not been identified in the general population by the Genome Aggregation Database (gnomAD). The available evidence is insufficient to determine the role of this variant in disease conclusively. Therefore, this variant is classified as a Variant of Uncertain Significance.